The following is an entry in ClinVar:

NM_145166.4(ZBTB47):c.1093C>T (p.Arg365Ter)

Gene: ZBTB47 (zinc finger and BTB domain containing 47; plus strand). Cytogenetic location: 3p22.1.
Variant type: single nucleotide variant.
Coding change: c.1093C>T on transcript NM_145166.4 (MANE Select); coding-DNA position 1093, C replaced by T.
Protein change: p.Arg365Ter; replaces arginine 365 with a stop codon.
Molecular consequence: nonsense.
Genome position (GRCh38, 1-based): chr3:42,659,448, C>T. VCF-style: chr3-42659448-C-T. GRCh37 (hg19) VCF-style: chr3-42700940-C-T.
Other names: c.1177C>T, p.Arg393Ter (NM_001410746.1); c.1093C>T (NM_145166.3); short protein forms R393*, R365*.
Identifiers: ClinVar variation 4961978 (VCV004961978.2).

ClinVar aggregate classification (germline): Uncertain significance. Review status: criteria provided, multiple submitters, no conflicts (2 of 4 stars). 2 submissions from 2 submitters: Uncertain significance (2). Last evaluated 2026-07-22.

Conditions:
ZBTB47-related condition.

gnomAD v4.1: 3 of 1,490,878 alleles (0.0002%); highest among the groups gnomAD compares: Non-Finnish European, 0.00027%; no homozygotes.

Submissions (2):

PreventionGenetics, part of Exact Sciences
Classification: Uncertain significance for ZBTB47-related condition. Last evaluated: 2026-07-22. Review status: criteria provided, single submitter. Criteria: ACMG Guidelines, 2015. Collection method: clinical testing. Allele origin: germline.
Comment: The ZBTB47 c.1093C>T variant is predicted to result in premature protein termination (p.Arg365*). To our knowledge, this variant has not been reported in the literature or in a large population database (gnomAD), indicating this variant is rare. At this time, the clinical significance of this variant is uncertain due to the absence of conclusive functional and genetic evidence.

Blueprint Genetics
Classification: Uncertain significance. Last evaluated: 2020-02-21. Review status: criteria provided, single submitter. Criteria: ACMG Guidelines, 2015. Collection method: clinical testing. Allele origin: germline.